The following is an entry in ClinVar:

ClinVar aggregate classification (germline): Uncertain significance (1 of 4 stars; one submission).

Conditions:
Hereditary cancer-predisposing syndrome. Also called: Hereditary Cancer Syndrome; Hereditary neoplastic syndrome; Neoplastic Syndromes, Hereditary; Tumor predisposition. Identifiers: Orphanet 140162, MedGen C0027672, MeSH D009386, MONDO:0015356.

Submission:

Ambry Genetics
Classification: Uncertain significance for Hereditary cancer-predisposing syndrome. Last evaluated: 2022-05-22. Review status: criteria provided, single submitter. Criteria: Ambry Variant Classification Scheme 2023. Collection method: clinical testing. Allele origin: germline.
Comment: The p.V481L variant (also known as c.1441G>C), located in coding exon 11 of the APC gene, results from a G to C substitution at nucleotide position 1441. The valine at codon 481 is replaced by leucine, an amino acid with highly similar properties. This amino acid position is conserved. In addition, in silico predictors for this gene do not accurately predict pathogenicity. Since supporting evidence is limited at this time, the clinical significance of this alteration remains unclear.

NM_000038.6(APC):c.1441G>C (p.Val481Leu)

Gene: APC (APC regulator of Wnt signaling pathway; plus strand). Cytogenetic location: 5q22.2.
Variant type: single nucleotide variant.
Coding change: c.1441G>C on transcript NM_000038.6 (MANE Select); coding-DNA position 1441, G replaced by C.
Protein change: p.Val481Leu; replaces valine 481 with leucine.
Molecular consequence: missense variant.
Genome position (GRCh38, 1-based): chr5:112,827,140, G>C. VCF-style: chr5-112827140-G-C. GRCh37 (hg19) VCF-style: chr5-112162837-G-C.
Other names: c.1441G>C, p.Val481Leu (NM_001127510.3, NM_001354895.2, NM_001407450.1); c.1387G>C, p.Val463Leu (NM_001127511.3); c.1495G>C, p.Val499Leu (NM_001354896.2, NM_001407447.1, NM_001407448.1 and 1 more transcripts); c.1471G>C, p.Val491Leu (NM_001354897.2); c.1366G>C, p.Val456Leu (NM_001354898.2); c.1357G>C, p.Val453Leu (NM_001354899.2); c.1318G>C, p.Val440Leu (NM_001354900.2); c.1264G>C, p.Val422Leu (NM_001354901.2, NM_001407453.1); and 11 more; short protein forms V355L, V380L, V463L, V481L, V499L, V509L, V321L, V422L.
Identifiers: ClinVar variation 1772715 (VCV001772715.2), dbSNP rs587780542, ClinGen allele CA16024457.